The following is an entry in ClinVar:

NC_000005.9:g.(?_125889959)_(125891727_?)del

Gene: ALDH7A1 (aldehyde dehydrogenase 7 family member A1; minus strand). Cytogenetic location: 5q23.2.
Variant type: Deletion.
Identifiers: ClinVar variation 2423937 (VCV002423937.5).

ClinVar aggregate classification (germline): Pathogenic (1 of 4 stars; one submission).

Conditions:
Pyridoxine-dependent epilepsy (EPEO4). Also called: PYRIDOXINE DEPENDENCY WITH SEIZURES; EPILEPSY, EARLY-ONSET, 4, VITAMIN B6-DEPENDENT; Pyridoxine-Dependent Seizures; Pyridoxine-Dependent Epilepsy - ALDH7A1. Identifiers: Orphanet 3006, MedGen C1849508, MONDO:0009945, OMIM 266100. Disease mechanism: loss of function.

Submission:

Labcorp Genetics (formerly Invitae), Labcorp
Classification: Pathogenic for Pyridoxine-dependent epilepsy. Last evaluated: 2022-06-05. Review status: criteria provided, single submitter. Criteria: Invitae Variant Classification Sherloc (09022015). Collection method: clinical testing. Allele origin: germline.
Comment: For these reasons, this variant has been classified as Pathogenic. This variant disrupts a region of the ALDH7A1 protein in which other variant(s) (p.Pro371Leu) have been determined to be pathogenic (PMID: 23953072; Invitae). This suggests that this is a clinically significant region of the protein, and that variants that disrupt it are likely to be disease-causing. This variant has not been reported in the literature in individuals affected with ALDH7A1-related conditions. This variant is a gross deletion of the genomic region encompassing exon(s) 12-13 of the ALDH7A1 gene. This variant would be expected to be in-frame, preserving the integrity of the reading frame.

Literature cited by the submitters: PubMed 23953072.